The following is an entry in ClinVar:

ClinVar aggregate classification (germline): Uncertain significance (1 of 4 stars; one submission).

Conditions:
Perlman syndrome (PRLMNS). Identifiers: Orphanet 2849, MedGen C0796113, MONDO:0009965, OMIM 267000.

Allele frequency attached by ClinVar (database versions not stated): gnomAD exomes below 0.00001.
gnomAD v4.1: 1 of 1,606,266 alleles (0.000062%); highest among the groups gnomAD compares: Non-Finnish European, 0.000085%; no homozygotes.

Submission:

Labcorp Genetics (formerly Invitae), Labcorp
Classification: Uncertain significance for Perlman syndrome. Last evaluated: 2022-11-23. Review status: criteria provided, single submitter. Criteria: Invitae Variant Classification Sherloc (09022015). Collection method: clinical testing. Allele origin: germline.
Comment: This variant has not been reported in the literature in individuals affected with DIS3L2-related conditions. ClinVar contains an entry for this variant (Variation ID: 1004391). Algorithms developed to predict the effect of missense changes on protein structure and function are either unavailable or do not agree on the potential impact of this missense change (SIFT: "Deleterious"; PolyPhen-2: "Benign"; Align-GVGD: "Class C0"). RNA analysis performed to evaluate the impact of this missense change on mRNA splicing indicates it does not significantly alter splicing (Invitae). In summary, the available evidence is currently insufficient to determine the role of this variant in disease. Therefore, it has been classified as a Variant of Uncertain Significance. This variant is present in population databases (no rsID available, gnomAD 0.0009%). This sequence change replaces valine, which is neutral and non-polar, with phenylalanine, which is neutral and non-polar, at codon 124 of the DIS3L2 protein (p.Val124Phe).

NM_152383.5(DIS3L2):c.370G>T (p.Val124Phe)

Gene: DIS3L2 (DIS3 like 3'-5' exoribonuclease 2; plus strand). Cytogenetic location: 2q37.1.
Variant type: single nucleotide variant.
Coding change: c.370G>T on transcript NM_152383.5 (MANE Select); coding-DNA position 370, G replaced by T.
Protein change: p.Val124Phe; replaces valine 124 with phenylalanine.
Molecular consequence: missense variant. On other transcripts: non-coding transcript variant (2).
Genome position (GRCh38, 1-based): chr2:232,087,490, G>T. VCF-style: chr2-232087490-G-T. GRCh37 (hg19) VCF-style: chr2-232952200-G-T.
Other names: c.370G>T, p.Val124Phe (NM_001257281.2, NM_001257282.2); short protein forms V124F.
Identifiers: ClinVar variation 1004391 (VCV001004391.8), dbSNP rs1203448037, ClinGen allele CA351154820.